The following is an entry in ClinVar:

ClinVar aggregate classification (germline): Likely benign (1 of 4 stars; one submission).

gnomAD v4.1: 44 of 1,614,258 alleles (0.0027%); highest among the groups gnomAD compares: South Asian, 0.048%; no homozygotes.

Submission:

CeGaT Center for Human Genetics Tuebingen
Classification: Likely benign. Last evaluated: 2025-09-01. Review status: criteria provided, single submitter. Criteria: CeGaT Center For Human Genetics Tuebingen Variant Classification Criteria Version 2. Collection method: clinical testing. Allele origin: germline. Affected: yes. Observed: 1 variant allele.
Comment: MCM3AP: BP4, BP7

NM_003906.5(MCM3AP):c.5130G>A (p.Val1710=)

Genes: MCM3AP (minichromosome maintenance complex component 3 associated protein; minus strand), MCM3AP-AS1 (MCM3AP antisense RNA 1; plus strand). Cytogenetic location: 21q22.3.
Variant type: single nucleotide variant.
Coding change: c.5130G>A on transcript NM_003906.5 (MANE Select); coding-DNA position 5130, G replaced by A.
Protein change: p.Val1710=; no amino-acid change (valine 1710 retained).
Molecular consequence: synonymous variant.
Genome position (GRCh38, 1-based): chr21:46,243,631, C>T on the plus strand (G>A on the coding strand, the complement: MCM3AP is on the minus strand). VCF-style: chr21-46243631-C-T. GRCh37 (hg19) VCF-style: chr21-47663545-C-T.
Identifiers: ClinVar variation 4281398 (VCV004281398.7).